The following is an entry in ClinVar:

NM_144670.6(A2ML1):c.3891G>A (p.Met1297Ile)

Gene: A2ML1 (alpha-2-macroglobulin like 1; plus strand). Cytogenetic location: 12p13.31.
Variant type: single nucleotide variant.
Coding change: c.3891G>A on transcript NM_144670.6 (MANE Select); coding-DNA position 3891, G replaced by A.
Protein change: p.Met1297Ile; replaces methionine 1297 with isoleucine.
Molecular consequence: missense variant.
Genome position (GRCh38, 1-based): chr12:8,868,015, G>A. VCF-style: chr12-8868015-G-A. GRCh37 (hg19) VCF-style: chr12-9020611-G-A.
Other names: c.2418G>A, p.Met806Ile (NM_001282424.3); short protein forms M1297I, M806I.
Identifiers: ClinVar variation 1063169 (VCV001063169.9), dbSNP rs754013433, ClinGen allele CA6436506.

ClinVar aggregate classification (germline): Uncertain significance (1 of 4 stars; one submission).

Allele frequency attached by ClinVar (database versions not stated): gnomAD exomes below 0.00001; ExAC 0.00001; TOPMed 0.00002.

Submission:

Labcorp Genetics (formerly Invitae), Labcorp
Classification: Uncertain significance. Last evaluated: 2024-04-22. Review status: criteria provided, single submitter. Criteria: Invitae Variant Classification Sherloc (09022015). Collection method: clinical testing. Allele origin: germline.
Comment: This sequence change replaces methionine, which is neutral and non-polar, with isoleucine, which is neutral and non-polar, at codon 1297 of the A2ML1 protein (p.Met1297Ile). This variant is present in population databases (rs754013433, gnomAD 0.003%). This variant has not been reported in the literature in individuals affected with A2ML1-related conditions. ClinVar contains an entry for this variant (Variation ID: 1063169). An algorithm developed to predict the effect of missense changes on protein structure and function (PolyPhen-2) suggests that this variant is likely to be tolerated. In summary, the available evidence is currently insufficient to determine the role of this variant in disease. Therefore, it has been classified as a Variant of Uncertain Significance.